The following is an entry in ClinVar:

ClinVar aggregate classification (germline): Uncertain significance. Review status: criteria provided, multiple submitters, no conflicts (2 of 4 stars). 3 submissions from 3 submitters: Uncertain significance (3). Last evaluated 2025-04-13.

Conditions:
Inborn genetic diseases. Identifiers: MedGen C0950123, MeSH D030342.

Allele frequency attached by ClinVar (database versions not stated): gnomAD exomes 0.00003; ExAC 0.00007; gnomAD 0.00025; TOPMed 0.00031; ESP Exome Variant Server 0.00038.
gnomAD v4.1: 83 of 1,613,048 alleles (0.0051%); highest among the groups gnomAD compares: African/African-American, 0.1%; 1 homozygote.

Submissions (3):

Ambry Genetics
Classification: Uncertain significance for Inborn genetic diseases. Last evaluated: 2025-04-13. Review status: criteria provided, single submitter. Criteria: Ambry Variant Classification Scheme 2023. Collection method: clinical testing. Allele origin: germline.

Blueprint Genetics
Classification: Uncertain significance. Last evaluated: 2024-06-26. Review status: criteria provided, single submitter. Criteria: ACMG Guidelines, 2015. Collection method: clinical testing. Allele origin: germline.

Labcorp Genetics (formerly Invitae), Labcorp
Classification: Uncertain significance. Last evaluated: 2022-08-17. Review status: criteria provided, single submitter. Criteria: Invitae Variant Classification Sherloc (09022015). Collection method: clinical testing. Allele origin: germline.
Comment: This sequence change replaces glutamic acid, which is acidic and polar, with alanine, which is neutral and non-polar, at codon 1673 of the LAMA1 protein (p.Glu1673Ala). This variant is present in population databases (rs140868195, gnomAD 0.09%). This variant has not been reported in the literature in individuals affected with LAMA1-related conditions. Algorithms developed to predict the effect of missense changes on protein structure and function are either unavailable or do not agree on the potential impact of this missense change (SIFT: "Tolerated"; PolyPhen-2: "Possibly Damaging"; Align-GVGD: "Class C0"). In summary, the available evidence is currently insufficient to determine the role of this variant in disease. Therefore, it has been classified as a Variant of Uncertain Significance.

NM_005559.4(LAMA1):c.5018A>C (p.Glu1673Ala)

Gene: LAMA1 (laminin subunit alpha 1; minus strand). Cytogenetic location: 18p11.31.
Variant type: single nucleotide variant.
Coding change: c.5018A>C on transcript NM_005559.4 (MANE Select); coding-DNA position 5018, A replaced by C.
Protein change: p.Glu1673Ala; replaces glutamic acid 1673 with alanine.
Molecular consequence: missense variant.
Genome position (GRCh38, 1-based): chr18:6,992,711, T>G on the plus strand (A>C on the coding strand, the complement: LAMA1 is on the minus strand). VCF-style: chr18-6992711-T-G. GRCh37 (hg19) VCF-style: chr18-6992710-T-G.
Other names: c.5018A>C (NM_005559.3); short protein forms E1673A.
Identifiers: ClinVar variation 2169065 (VCV002169065.3), dbSNP rs140868195, ClinGen allele CA8881717.